The following is an entry in ClinVar:

NM_014918.5(CHSY1):c.2273A>G (p.Lys758Arg)

Gene: CHSY1 (chondroitin sulfate synthase 1; minus strand). Cytogenetic location: 15q26.3.
Variant type: single nucleotide variant.
Coding change: c.2273A>G on transcript NM_014918.5 (MANE Select); coding-DNA position 2273, A replaced by G.
Protein change: p.Lys758Arg; replaces lysine 758 with arginine.
Molecular consequence: missense variant.
Genome position (GRCh38, 1-based): chr15:101,177,524, T>C on the plus strand (A>G on the coding strand, the complement: CHSY1 is on the minus strand). VCF-style: chr15-101177524-T-C. GRCh37 (hg19) VCF-style: chr15-101717729-T-C.
Other names: short protein forms K758R.
Identifiers: ClinVar variation 1008395 (VCV001008395.8), dbSNP rs2038208535, ClinGen allele CA393956723.

ClinVar aggregate classification (germline): Uncertain significance (1 of 4 stars; one submission).

Conditions:
Temtamy preaxial brachydactyly syndrome (TPBS). Identifiers: Orphanet 363417, MedGen C1854466, MONDO:0011533, OMIM 605282.

Submission:

Labcorp Genetics (formerly Invitae), Labcorp
Classification: Uncertain significance for Temtamy preaxial brachydactyly syndrome. Last evaluated: 2022-07-12. Review status: criteria provided, single submitter. Criteria: Invitae Variant Classification Sherloc (09022015). Collection method: clinical testing. Allele origin: germline.
Comment: This sequence change replaces lysine, which is basic and polar, with arginine, which is basic and polar, at codon 758 of the CHSY1 protein (p.Lys758Arg). This variant is not present in population databases (gnomAD no frequency). This variant has not been reported in the literature in individuals affected with CHSY1-related conditions. ClinVar contains an entry for this variant (Variation ID: 1008395). Algorithms developed to predict the effect of missense changes on protein structure and function output the following: SIFT: "Tolerated"; PolyPhen-2: "Benign"; Align-GVGD: "Class C0". The arginine amino acid residue is found in multiple mammalian species, which suggests that this missense change does not adversely affect protein function. Algorithms developed to predict the effect of sequence changes on RNA splicing suggest that this variant may create or strengthen a splice site. In summary, the available evidence is currently insufficient to determine the role of this variant in disease. Therefore, it has been classified as a Variant of Uncertain Significance.